The following is an entry in ClinVar:

ClinVar aggregate classification (germline): Pathogenic (1 of 4 stars; one submission).

Submission:

GeneDx
Classification: Pathogenic. Last evaluated: 2018-03-22. Review status: criteria provided, single submitter. Criteria: GeneDx Variant Classification (06012015). Collection method: clinical testing. Allele origin: germline. Affected: yes.
Comment: The W986X variant in the EHMT1 gene has not been reported previously as a pathogenic variant nor as a benign variant, to our knowledge. This variant is predicted to cause loss of normal protein function either through protein truncation or nonsense-mediated mRNA decay. The W986X variant is not observed in large population cohorts (Lek et al., 2016).

NM_024757.5(EHMT1):c.2958G>A (p.Trp986Ter)

Gene: EHMT1 (euchromatic histone lysine methyltransferase 1; plus strand). Cytogenetic location: 9q34.3.
Variant type: single nucleotide variant.
Coding change: c.2958G>A on transcript NM_024757.5 (MANE Select); coding-DNA position 2958, G replaced by A.
Protein change: p.Trp986Ter; replaces tryptophan 986 with a stop codon.
Molecular consequence: nonsense.
Genome position (GRCh38, 1-based): chr9:137,813,096, G>A. VCF-style: chr9-137813096-G-A. GRCh37 (hg19) VCF-style: chr9-140707548-G-A.
Other names: c.2937G>A, p.Trp979Ter (NM_001354263.2); short protein forms W986*, W979*.
Identifiers: ClinVar variation 523840 (VCV000523840.2), dbSNP rs1554896104, ClinGen allele CA375793507.
Genomic context (GRCh38, chr9:137,813,096, plus strand): 5'-CTTAAAGAACAAGGAAGGAGAGACGCCCCTGCAGTGTGCGAGCCTCAACTCTCAGGTGTG[G>A]AGCGCTCTGCAGATGAGCAAGGCTCTGCAGGACTCGGCCCCCGACAGGCCCAGCCCCGTG-3'